The following is an entry in ClinVar:

ClinVar aggregate classification (germline): Benign. Review status: criteria provided, multiple submitters, no conflicts (2 of 4 stars). 3 submissions from 3 submitters: Benign (3). Last evaluated 2026-01-21.

Conditions:
Pseudohypoparathyroidism type 1B (PHP1B). Also called: PHP IB; Pseudohypoparathyroidism Ib (PHP-Ib); Pseudohypoparathyroidism Type IB. Identifiers: Orphanet 94089, MedGen C1864100, MONDO:0011301, OMIM 603233.

Allele frequency attached by ClinVar (database versions not stated): gnomAD 0.00147; TOPMed 0.00186; ESP Exome Variant Server 0.00200; 1000 Genomes Project 30x 0.00312; 1000 Genomes Project 0.00359.
gnomAD v4.1: 3,746 of 1,612,964 alleles (0.23%); highest among the groups gnomAD compares: Middle Eastern, 1.7%; 33 homozygotes.

Submissions (3):

Labcorp Genetics (formerly Invitae), Labcorp
Classification: Benign. Last evaluated: 2026-01-21. Review status: criteria provided, single submitter. Criteria: Invitae Variant Classification Sherloc (09022015). Collection method: clinical testing. Allele origin: germline.

Illumina Laboratory Services, Illumina
Classification: Benign for Pseudohypoparathyroidism type 1B. Last evaluated: 2018-01-12. Review status: criteria provided, single submitter. Criteria: ICSL Variant Classification Criteria 13 December 2019. Collection method: clinical testing. Allele origin: germline.
Comment: This variant was observed in the ICSL laboratory as part of a predisposition screen in an ostensibly healthy population. It had not been previously curated by ICSL or reported in the Human Gene Mutation Database (HGMD: prior to June 1st, 2018), and was therefore a candidate for classification through an automated scoring system. Utilizing variant allele frequency, disease prevalence and penetrance estimates, and inheritance mode, an automated score was calculated to assess if this variant is too frequent to cause the disease. Based on the score and internal cut-off values, a variant classified as benign is not then subjected to further curation. The score for this variant resulted in a classification of benign for this disease.

Breakthrough Genomics
Classification: Benign. Review status: criteria provided, single submitter. Criteria: ACMG Guidelines, 2015. Collection method: not provided. Allele origin: germline. Inheritance: Autosomal dominant inheritance. Affected: yes.

NM_001001433.3(STX16):c.132+15G>A

Genes: STX16 (syntaxin 16; plus strand), STX16-NPEPL1 (STX16-NPEPL1 readthrough (NMD candidate); plus strand). Cytogenetic location: 20q13.32.
Variant type: single nucleotide variant.
Coding change: c.132+15G>A on transcript NM_001001433.3 (MANE Select); 15 bases into the intron after coding-DNA position 132, G replaced by A.
Molecular consequence: intron variant.
Genome position (GRCh38, 1-based): chr20:58,652,153, G>A. VCF-style: chr20-58652153-G-A. GRCh37 (hg19) VCF-style: chr20-57227209-G-A.
Other names: c.132+15G>A (NM_001134772.3); c.81+66G>A (NM_001134773.3, NM_003763.6); c.-28+15G>A (NM_001204868.2).
Identifiers: ClinVar variation 339044 (VCV000339044.10), dbSNP rs139859128, ClinGen allele CA9925178.
Genomic context (GRCh38, chr20:58,652,153, plus strand): 5'-TAGTCACATCACCTCCAGCCCTCTGCATTCACGTAGCATTGCTGCGGTGAGTCTCCTGGC[G>A]GCCTCTCCGACACACGGACCGTGTGCACTGCGGCTCTGCCTGTTTGTCTGTCTCTGTCTG-3'